The following is an entry in ClinVar:

NM_001184880.2(PCDH19):c.1639_1640delinsTT (p.Ala547Phe)

Gene: PCDH19 (protocadherin 19; minus strand). Cytogenetic location: Xq22.1.
Variant type: Indel.
Coding change: c.1639_1640delinsTT on transcript NM_001184880.2 (MANE Select); coding-DNA positions 1639 to 1640, GC replaced by TT.
Protein change: p.Ala547Phe; replaces alanine 547 with phenylalanine.
Molecular consequence: missense variant.
Genome position (GRCh38, 1-based): chrX:100,406,958-100,406,959, GC replaced by AA on the plus strand (GC replaced by TT on the coding strand, the reverse complement: PCDH19 is on the minus strand). VCF-style: chrX-100406958-GC-AA. GRCh37 (hg19) VCF-style: chrX-99661956-GC-AA.
Other names: c.1639_1640delinsTT, p.Ala547Phe (NM_001105243.2, NM_020766.3); short protein forms A547F.
Identifiers: ClinVar variation 1042374 (VCV001042374.7), dbSNP rs1928375319, ClinGen allele CA2447976540.

ClinVar aggregate classification (germline): Uncertain significance (1 of 4 stars; one submission).

Conditions:
Developmental and epileptic encephalopathy, 9 (DEE9). Also called: Early infantile epileptic encephalopathy 9; JUBERG-HELLMAN SYNDROME; EPILEPSY, FEMALE-RESTRICTED, WITH MENTAL RETARDATION; PCDH19-Related X-Linked Female-Limited Epilepsy with Mental Retardation. Identifiers: Orphanet 101039, Orphanet 2076, MedGen C1848137, MONDO:0010246, OMIM 300088. Disease mechanism: loss of function.

Submission:

Labcorp Genetics (formerly Invitae), Labcorp
Classification: Uncertain significance for Developmental and epileptic encephalopathy, 9. Last evaluated: 2024-07-29. Review status: criteria provided, single submitter. Criteria: Invitae Variant Classification Sherloc (09022015). Collection method: clinical testing. Allele origin: germline.
Comment: This sequence change replaces alanine, which is neutral and non-polar, with phenylalanine, which is neutral and non-polar, at codon 547 of the PCDH19 protein (p.Ala547Phe). Information on the frequency of this variant in the gnomAD database is not available, as this variant may be reported differently in the database. This variant has not been reported in the literature in individuals affected with PCDH19-related conditions. ClinVar contains an entry for this variant (Variation ID: 1042374). An algorithm developed to predict the effect of missense changes on protein structure and function (PolyPhen-2) suggests that this variant is likely to be disruptive. In summary, the available evidence is currently insufficient to determine the role of this variant in disease. Therefore, it has been classified as a Variant of Uncertain Significance.